The following is an entry in ClinVar:

NM_015559.3(SETBP1):c.3674A>G (p.Asn1225Ser)

Gene: SETBP1 (SET binding protein 1; plus strand). Cytogenetic location: 18q12.3.
Variant type: single nucleotide variant.
Coding change: c.3674A>G on transcript NM_015559.3 (MANE Select); coding-DNA position 3674, A replaced by G.
Protein change: p.Asn1225Ser; replaces asparagine 1225 with serine.
Molecular consequence: missense variant.
Genome position (GRCh38, 1-based): chr18:44,953,014, A>G. VCF-style: chr18-44953014-A-G. GRCh37 (hg19) VCF-style: chr18-42532979-A-G.
Other names: c.3674A>G, p.Asn1225Ser (NM_001379141.1, NM_001379142.1, NM_001410862.1); c.3674A>G (NM_015559.2); short protein forms N1225S.
Identifiers: ClinVar variation 2079217 (VCV002079217.5), dbSNP rs778834051, ClinGen allele CA8945957.
Genomic context (GRCh38, chr18:44,953,014, plus strand): 5'-AGCATAAGGAGAAACAGAAGCACCAGCACAGCGAAGCCGGCCACAAAGCTTCTAAGAACA[A>G]CTTTGAGGTGGACACCCTGTCTACACTGTCACTTTCCGACGCCCAGCATTGGACACAGGC-3'
Protein context (NP_056374.2, residues 1215-1235): SEAGHKASKN[Asn1225Ser]FEVDTLSTLS

ClinVar aggregate classification (germline): Uncertain significance. Review status: criteria provided, multiple submitters, no conflicts (2 of 4 stars). 2 submissions from 2 submitters: Uncertain significance (2). Last evaluated 2025-08-15.

Conditions:
Inborn genetic diseases. Identifiers: MedGen C0950123, MeSH D030342.

Allele frequency attached by ClinVar (database versions not stated): TOPMed below 0.00001; ExAC 0.00001; gnomAD exomes 0.00003.
gnomAD v4.1: 40 of 1,614,012 alleles (0.0025%); highest among the groups gnomAD compares: Non-Finnish European, 0.0031%; no homozygotes.

Submissions (2):

Labcorp Genetics (formerly Invitae), Labcorp
Classification: Uncertain significance. Last evaluated: 2025-08-15. Review status: criteria provided, single submitter. Criteria: Invitae Variant Classification Sherloc (09022015). Collection method: clinical testing. Allele origin: germline.
Comment: This sequence change replaces asparagine, which is neutral and polar, with serine, which is neutral and polar, at codon 1225 of the SETBP1 protein (p.Asn1225Ser). This variant is present in population databases (rs778834051, gnomAD 0.0009%). This variant has not been reported in the literature in individuals affected with SETBP1-related conditions. ClinVar contains an entry for this variant (Variation ID: 2079217). Invitae Evidence Modeling of protein sequence and biophysical properties (such as structural, functional, and spatial information, amino acid conservation, physicochemical variation, residue mobility, and thermodynamic stability) indicates that this missense variant is not expected to disrupt SETBP1 protein function with a negative predictive value of 80%. In summary, the available evidence is currently insufficient to determine the role of this variant in disease. Therefore, it has been classified as a Variant of Uncertain Significance.

Ambry Genetics
Classification: Uncertain significance for Inborn genetic diseases. Last evaluated: 2025-05-18. Review status: criteria provided, single submitter. Criteria: Ambry Variant Classification Scheme 2023. Collection method: clinical testing. Allele origin: germline.